The following is an entry in ClinVar:

ClinVar aggregate classification (germline): Uncertain significance. Review status: criteria provided, multiple submitters, no conflicts (2 of 4 stars). 2 submissions from 2 submitters: Uncertain significance (2). Last evaluated 2024-01-03.

gnomAD v4.1: 3 of 1,613,876 alleles (0.00019%); highest among the groups gnomAD compares: Middle Eastern, 0.016%; no homozygotes.

Submissions (2):

Ambry Genetics
Classification: Uncertain significance. Last evaluated: 2024-01-03. Review status: criteria provided, single submitter. Criteria: Ambry Variant Classification Scheme 2023. Collection method: clinical testing. Allele origin: germline.

Labcorp Genetics (formerly Invitae), Labcorp
Classification: Uncertain significance. Last evaluated: 2023-10-22. Review status: criteria provided, single submitter. Criteria: Invitae Variant Classification Sherloc (09022015). Collection method: clinical testing. Allele origin: germline.
Comment: This sequence change replaces threonine, which is neutral and polar, with serine, which is neutral and polar, at codon 415 of the CETP protein (p.Thr415Ser). This variant is present in population databases (rs190964678, gnomAD 0.01%). This variant has not been reported in the literature in individuals affected with CETP-related conditions. Advanced modeling of protein sequence and biophysical properties (such as structural, functional, and spatial information, amino acid conservation, physicochemical variation, residue mobility, and thermodynamic stability) performed at Invitae indicates that this missense variant is not expected to disrupt CETP protein function. In summary, the available evidence is currently insufficient to determine the role of this variant in disease. Therefore, it has been classified as a Variant of Uncertain Significance.

NM_000078.3(CETP):c.1244C>G (p.Thr415Ser)

Gene: CETP (cholesteryl ester transfer protein; plus strand). Cytogenetic location: 16q13.
Variant type: single nucleotide variant.
Coding change: c.1244C>G on transcript NM_000078.3 (MANE Select); coding-DNA position 1244, C replaced by G.
Protein change: p.Thr415Ser; replaces threonine 415 with serine.
Molecular consequence: missense variant.
Genome position (GRCh38, 1-based): chr16:56,981,676, C>G. VCF-style: chr16-56981676-C-G. GRCh37 (hg19) VCF-style: chr16-57015588-C-G.
Other names: c.1064C>G, p.Thr355Ser (NM_001286085.2); c.1244C>G (NM_000078.2); short protein forms T415S, T355S.
Identifiers: ClinVar variation 2987349 (VCV002987349.4), dbSNP rs190964678, ClinGen allele CA8071310.